The following is an entry in ClinVar:

NM_000158.4(GBE1):c.216del (p.Tyr73fs)

Gene: GBE1 (1,4-alpha-glucan branching enzyme 1; minus strand). Cytogenetic location: 3p12.2.
Variant type: Deletion.
Coding change: c.216del on transcript NM_000158.4 (MANE Select); coding-DNA position 216, one base deleted (C; older notation c.216delC).
Protein change: p.Tyr73fs; shifts the reading frame from tyrosine 73.
Molecular consequence: frameshift variant.
Genome position (GRCh38, 1-based): chr3:81,705,541, G deleted on the plus strand (C on the coding strand, the reverse complement: GBE1 is on the minus strand). VCF-style (leftmost placement, unchanged base first): chr3-81705540-AG-A. GRCh37 (hg19) VCF-style: chr3-81754691-AG-A.
Other names: c.216delC (NM_000158.3); short protein forms Y73fs.
Identifiers: ClinVar variation 1071657 (VCV001071657.8), dbSNP rs2107168870, ClinGen allele CA2499216989.

ClinVar aggregate classification (germline): Pathogenic/Likely pathogenic. Review status: criteria provided, multiple submitters, no conflicts (2 of 4 stars). 4 submissions from 4 submitters: Pathogenic (1); Likely pathogenic (3). Last evaluated 2024-03-28.

Conditions:
Glycogen storage disease, type IV (GSD4). Also called: Glycogen storage disease due to glycogen branching enzyme deficiency; ANDERSEN DISEASE; BRANCHER DEFICIENCY; CIRRHOSIS, FAMILIAL, WITH DEPOSITION OF ABNORMAL GLYCOGEN; GBE1 DEFICIENCY; GLYCOGEN BRANCHING ENZYME DEFICIENCY. Identifiers: Orphanet 367, MedGen C0017923, MONDO:0009292, OMIM 232500.
GBE1-related disorder. Also called: GBE1-related condition; GBE1-related disorders. Identifiers: MedGen CN239402.
Glycogen storage disease IV, classic hepatic. Also called: GSD IV, CLASSIC HEPATIC. Identifiers: MedGen C1856301.

Allele frequency attached by ClinVar (database versions not stated): gnomAD exomes 0.00001.

Submissions (4):

Baylor Genetics
Classification: Likely pathogenic for Glycogen storage disease, type IV. Last evaluated: 2024-03-28. Review status: criteria provided, single submitter. Criteria: ACMG Guidelines, 2015. Collection method: clinical testing. Allele origin: unknown.

PreventionGenetics, part of Exact Sciences
Classification: Likely pathogenic for GBE1-related condition. Last evaluated: 2023-07-01. Review status: criteria provided, single submitter. Criteria: ACMG Guidelines, 2015. Collection method: clinical testing. Allele origin: germline.
Comment: The GBE1 c.216delC variant is predicted to result in a frameshift and premature protein termination (p.Tyr73Metfs*70). To our knowledge, this variant has not been reported in the literature or in a large population database, indicating this variant is rare. Frameshift variants in GBE1 are expected to be pathogenic. This variant is interpreted as likely pathogenic.

Labcorp Genetics (formerly Invitae), Labcorp
Classification: Pathogenic for Glycogen storage disease, type IV; Glycogen storage disease IV, classic hepatic. Last evaluated: 2020-08-27. Review status: criteria provided, single submitter. Criteria: Invitae Variant Classification Sherloc (09022015). Collection method: clinical testing. Allele origin: germline.
Comment: This variant has not been reported in the literature in individuals with GBE1-related conditions. Loss-of-function variants in GBE1 are known to be pathogenic (PMID: 15452297, 20058079). For these reasons, this variant has been classified as Pathogenic. This variant is not present in population databases (ExAC no frequency). This sequence change creates a premature translational stop signal (p.Tyr73Metfs*70) in the GBE1 gene. It is expected to result in an absent or disrupted protein product.

Blueprint Genetics
Classification: Likely pathogenic for GBE1-related disorders. Last evaluated: 2020-02-10. Review status: criteria provided, single submitter. Criteria: ACMG Guidelines, 2015. Collection method: clinical testing. Allele origin: germline. Affected: yes. Observed: 1 variant allele.

Literature cited by the submitters: PubMed 15452297 (cited by Labcorp Genetics (formerly Invitae), Labcorp); PubMed 20058079 (cited by Labcorp Genetics (formerly Invitae), Labcorp).